The following is an entry in ClinVar:

ClinVar aggregate classification (germline): Uncertain significance (1 of 4 stars; one submission).

Conditions:
Hereditary cancer-predisposing syndrome. Also called: Neoplastic Syndromes, Hereditary; Tumor predisposition; Hereditary neoplastic syndrome; Hereditary Cancer Syndrome. Identifiers: Orphanet 140162, MedGen C0027672, MeSH D009386, MONDO:0015356.

Submission:

Ambry Genetics
Classification: Uncertain significance for Hereditary cancer-predisposing syndrome. Last evaluated: 2023-01-21. Review status: criteria provided, single submitter. Criteria: Ambry Variant Classification Scheme 2023. Collection method: clinical testing. Allele origin: germline.
Comment: The p.I1956L variant (also known as c.5866A>C), located in coding exon 15 of the APC gene, results from an A to C substitution at nucleotide position 5866. The isoleucine at codon 1956 is replaced by leucine, an amino acid with highly similar properties. This amino acid position is conserved. In addition, in silico predictors for this gene do not accurately predict pathogenicity. Since supporting evidence is limited at this time, the clinical significance of this alteration remains unclear.

NM_000038.6(APC):c.5866A>C (p.Ile1956Leu)

Gene: APC (APC regulator of Wnt signaling pathway; plus strand). Cytogenetic location: 5q22.2.
Variant type: single nucleotide variant.
Coding change: c.5866A>C on transcript NM_000038.6 (MANE Select); coding-DNA position 5866, A replaced by C.
Protein change: p.Ile1956Leu; replaces isoleucine 1956 with leucine.
Molecular consequence: missense variant. On other transcripts: non-coding transcript variant (2).
Genome position (GRCh38, 1-based): chr5:112,841,460, A>C. VCF-style: chr5-112841460-A-C. GRCh37 (hg19) VCF-style: chr5-112177157-A-C.
Other names: c.5866A>C, p.Ile1956Leu (NM_001127510.3, NM_001354895.2, NM_001407450.1); c.5812A>C, p.Ile1938Leu (NM_001127511.3); c.5920A>C, p.Ile1974Leu (NM_001354896.2, NM_001407447.1, NM_001407448.1 and 1 more transcripts); c.5896A>C, p.Ile1966Leu (NM_001354897.2); c.5791A>C, p.Ile1931Leu (NM_001354898.2); c.5782A>C, p.Ile1928Leu (NM_001354899.2); c.5743A>C, p.Ile1915Leu (NM_001354900.2); c.5689A>C, p.Ile1897Leu (NM_001354901.2, NM_001407453.1); and 11 more; short protein forms I1827L, I1830L, I1873L, I1928L, I1946L, I1984L, I1572L, I1855L.
Identifiers: ClinVar variation 2452721 (VCV002452721.2), dbSNP rs749597014, ClinGen allele CA16034166.
Genomic context (GRCh38, chr5:112,841,460, plus strand): 5'-TCATCCAAAGACATACCAGACAGAGGGGCAGCAACTGATGAAAAGTTACAGAATTTTGCT[A>C]TTGAAAATACTCCGGTTTGCTTTTCTCATAATTCCTCTCTGAGTTCTCTCAGTGACATTG-3'
Protein context (NP_000029.2, residues 1946-1966): ATDEKLQNFA[Ile1956Leu]ENTPVCFSHN